The following is an entry in ClinVar:

NM_007294.4(BRCA1):c.-20+2dup

Genes: BRCA1 (BRCA1 DNA repair associated; minus strand), LOC111589215 (BRCA1 promoter region; plus strand). Cytogenetic location: 17q21.31.
Variant type: Duplication.
Coding change: c.-20+2dup on transcript NM_007294.4 (MANE Select); the canonical splice donor site of the intron after 20 bases upstream of the start codon, one base duplicated (T; older notation c.-20+2dupT).
Molecular consequence: splice donor variant. On other transcripts: non-coding transcript variant (1), intron variant (2).
Genome position (GRCh38, 1-based): chr17:43,125,269, A duplicated on the plus strand (T on the coding strand, the reverse complement: BRCA1 is on the minus strand). VCF-style (leftmost placement, unchanged base first): chr17-43125268-T-TA. GRCh37 (hg19) VCF-style: chr17-41277285-T-TA.
Other names: c.-295dup (NM_001407571.1, NM_001407879.1, NM_001407907.1 and 4 more transcripts); c.-107dup (NM_001407582.1, NM_001407597.1, NM_001407612.1 and 20 more transcripts); c.-552dup (NM_001407583.1, NM_001407591.1, NM_001407594.1 and 32 more transcripts); c.-1173dup (NM_001407593.1, NM_001407610.1, NM_001407621.1 and 6 more transcripts); c.-539dup (NM_001407605.1, NM_001407623.1); c.-838dup (NM_001407697.1); c.-809dup (NM_001407724.1); c.-816dup (NM_001407741.1); and 13 more.
Identifiers: ClinVar variation 1941432 (VCV001941432.5), dbSNP rs2055826154, ClinGen allele CA983899689.

ClinVar aggregate classification (germline): Uncertain significance (1 of 4 stars; one submission).

Conditions:
Hereditary breast ovarian cancer syndrome. Also called: Hereditary breast and ovarian cancer; Hereditary breast and/or ovarian cancer syndrome; Breast and ovarian cancer; BRCA1- and BRCA2-Associated Hereditary Breast and Ovarian Cancer; Hereditary breast and ovarian cancer syndrome; Hereditary breast and ovarian cancer syndrome (HBOC). Identifiers: Orphanet 145, MedGen C0677776, MeSH D061325, MONDO:0003582. Disease mechanism: loss of function.

Allele frequency attached by ClinVar (database versions not stated): gnomAD 0.00001.

Submission:

Labcorp Genetics (formerly Invitae), Labcorp
Classification: Uncertain significance for Hereditary breast ovarian cancer syndrome. Last evaluated: 2024-08-06. Review status: criteria provided, single submitter. Criteria: Invitae Variant Classification Sherloc (09022015). Collection method: clinical testing. Allele origin: germline.
Comment: This sequence change falls in intron 1 of the BRCA1 gene. It does not directly change the encoded amino acid sequence of the BRCA1 protein. It affects a nucleotide within the consensus splice site. This variant is not present in population databases (gnomAD no frequency). This variant has not been reported in the literature in individuals affected with BRCA1-related conditions. ClinVar contains an entry for this variant (Variation ID: 1941432). Variants that disrupt the consensus splice site are a relatively common cause of aberrant splicing (PMID: 17576681, 9536098). Algorithms developed to predict the effect of sequence changes on RNA splicing suggest that this variant is not likely to affect RNA splicing. In summary, the available evidence is currently insufficient to determine the role of this variant in disease. Therefore, it has been classified as a Variant of Uncertain Significance.

Literature cited by the submitters: PubMed 17576681; PubMed 9536098.